The following is an entry in ClinVar:

ClinVar aggregate classification (germline): Uncertain significance (1 of 4 stars; one submission).

Allele frequency attached by ClinVar (database versions not stated): gnomAD 0.00001.
gnomAD v4.1: 4 of 1,614,064 alleles (0.00025%); highest among the groups gnomAD compares: South Asian, 0.0022%; no homozygotes.

Submission:

CeGaT Center for Human Genetics Tuebingen
Classification: Uncertain significance. Last evaluated: 2024-03-01. Review status: criteria provided, single submitter. Criteria: CeGaT Center For Human Genetics Tuebingen Variant Classification Criteria Version 2. Collection method: clinical testing. Allele origin: germline. Affected: yes. Observed: 1 variant allele.
Comment: AAAS: PM2

NM_015665.6(AAAS):c.1187G>C (p.Gly396Ala)

Gene: AAAS (aladin WD repeat nucleoporin; minus strand). Cytogenetic location: 12q13.13.
Variant type: single nucleotide variant.
Coding change: c.1187G>C on transcript NM_015665.6 (MANE Select); coding-DNA position 1187, G replaced by C.
Protein change: p.Gly396Ala; replaces glycine 396 with alanine.
Molecular consequence: missense variant.
Genome position (GRCh38, 1-based): chr12:53,308,344, C>G on the plus strand (G>C on the coding strand, the complement: AAAS is on the minus strand). VCF-style: chr12-53308344-C-G. GRCh37 (hg19) VCF-style: chr12-53702128-C-G.
Other names: c.1088G>C, p.Gly363Ala (NM_001173466.2); short protein forms G363A, G396A.
Identifiers: ClinVar variation 3025743 (VCV003025743.22), dbSNP rs373268179, ClinGen allele CA385039393.